The following is an entry in ClinVar:

ClinVar aggregate classification (germline): Uncertain significance (1 of 4 stars; one submission).

Allele frequency attached by ClinVar (database versions not stated): ExAC 0.00002; gnomAD exomes 0.00002.
gnomAD v4.1: 22 of 1,610,970 alleles (0.0014%); highest among the groups gnomAD compares: South Asian, 0.0022%; no homozygotes.

Submission:

Labcorp Genetics (formerly Invitae), Labcorp
Classification: Uncertain significance. Last evaluated: 2025-05-13. Review status: criteria provided, single submitter. Criteria: Invitae Variant Classification Sherloc (09022015). Collection method: clinical testing. Allele origin: germline.
Comment: This sequence change replaces glycine, which is neutral and non-polar, with arginine, which is basic and polar, at codon 26 of the RIPK1 protein (p.Gly26Arg). This variant is present in population databases (rs777736749, gnomAD 0.003%). This variant has not been reported in the literature in individuals affected with RIPK1-related conditions. ClinVar contains an entry for this variant (Variation ID: 2099403). An algorithm developed to predict the effect of missense changes on protein structure and function (PolyPhen-2) suggests that this variant is likely to be disruptive. In summary, the available evidence is currently insufficient to determine the role of this variant in disease. Therefore, it has been classified as a Variant of Uncertain Significance.

NM_001354930.2(RIPK1):c.76G>A (p.Gly26Arg)

Gene: RIPK1 (receptor interacting serine/threonine kinase 1; plus strand). Cytogenetic location: 6p25.2.
Variant type: single nucleotide variant.
Coding change: c.76G>A on transcript NM_001354930.2 (MANE Select); coding-DNA position 76, G replaced by A.
Protein change: p.Gly26Arg; replaces glycine 26 with arginine.
Molecular consequence: missense variant. On other transcripts: 5 prime UTR variant (4).
Genome position (GRCh38, 1-based): chr6:3,076,899, G>A. VCF-style: chr6-3076899-G-A. GRCh37 (hg19) VCF-style: chr6-3077133-G-A.
Other names: c.-528G>A (NM_001317061.3, NM_001354932.2, NM_001354933.2 and 1 more transcripts); c.76G>A, p.Gly26Arg (NM_001354931.2, NM_003804.6); short protein forms G26R.
Identifiers: ClinVar variation 2099403 (VCV002099403.4), dbSNP rs777736749, ClinGen allele CA3618061.